The following is an entry in ClinVar:

NM_024580.6(EFL1):c.949G>A (p.Asp317Asn)

Gene: EFL1 (elongation factor like GTPase 1; minus strand). Cytogenetic location: 15q25.2.
Variant type: single nucleotide variant.
Coding change: c.949G>A on transcript NM_024580.6 (MANE Select); coding-DNA position 949, G replaced by A.
Protein change: p.Asp317Asn; replaces aspartic acid 317 with asparagine.
Molecular consequence: missense variant. On other transcripts: non-coding transcript variant (1).
Genome position (GRCh38, 1-based): chr15:82,228,311, C>T on the plus strand (G>A on the coding strand, the complement: EFL1 is on the minus strand). VCF-style: chr15-82228311-C-T. GRCh37 (hg19) VCF-style: chr15-82520652-C-T.
Other names: c.796G>A, p.Asp266Asn (NM_001040610.3); c.160G>A, p.Asp54Asn (NM_001322844.2); c.949G>A, p.Asp317Asn (NM_001322845.2); short protein forms D54N, D317N, D266N.
Identifiers: ClinVar variation 4746448 (VCV004746448.1).
Genomic context (GRCh38, chr15:82,228,311, plus strand): 5'-GGTCTGAATGTCGTGCCTCCCGGGCTCCAATTTTTAATCCTAAAGAAGTCACTATTTTAT[C>T]AATTTTGTCTTTGTCCCTGTGGTAAACACAAGATTGGAGAGGGGAAATGTCATATGCAGA-3'
Protein context (NP_078856.4, residues 307-327): AVLKKDKDKI[Asp317Asn]KIVTSLGLKI

ClinVar aggregate classification (germline): Uncertain significance (1 of 4 stars; one submission).

gnomAD v4.1: 1 of 1,613,734 alleles (0.000062%); highest among the groups gnomAD compares: South Asian, 0.0011%; no homozygotes.

Submission:

Labcorp Genetics (formerly Invitae), Labcorp
Classification: Uncertain significance. Last evaluated: 2025-02-06. Review status: criteria provided, single submitter. Criteria: Invitae Variant Classification Sherloc (09022015). Collection method: clinical testing. Allele origin: germline.
Comment: This sequence change replaces aspartic acid, which is acidic and polar, with asparagine, which is neutral and polar, at codon 317 of the EFL1 protein (p.Asp317Asn). This variant is not present in population databases (gnomAD no frequency). This variant has not been reported in the literature in individuals affected with EFL1-related conditions. Invitae Evidence Modeling of protein sequence and biophysical properties (such as structural, functional, and spatial information, amino acid conservation, physicochemical variation, residue mobility, and thermodynamic stability) indicates that this missense variant is not expected to disrupt EFL1 protein function with a negative predictive value of 80%. Algorithms developed to predict the effect of sequence changes on RNA splicing suggest that this variant may disrupt the consensus splice site. In summary, the available evidence is currently insufficient to determine the role of this variant in disease. Therefore, it has been classified as a Variant of Uncertain Significance.